The following is an entry in ClinVar:

ClinVar aggregate classification (germline): Likely benign (0 of 4 stars; one submission).

Conditions:
INTU-related disorder. Also called: INTU-related condition.

Submission:

PreventionGenetics, part of Exact Sciences
Classification: Likely benign for INTU-related condition. Last evaluated: 2024-01-03. Review status: no assertion criteria provided. Collection method: clinical testing. Allele origin: germline.
Comment: This variant is classified as likely benign based on ACMG/AMP sequence variant interpretation guidelines (Richards et al. 2015 PMID: 25741868, with internal and published modifications).

NM_015693.4(INTU):c.1755T>A (p.Pro585=)

Gene: INTU (inturned planar cell polarity protein; plus strand). Cytogenetic location: 4q28.1.
Variant type: single nucleotide variant.
Coding change: c.1755T>A on transcript NM_015693.4 (MANE Select); coding-DNA position 1755, T replaced by A.
Protein change: p.Pro585=; no amino-acid change (proline 585 retained).
Molecular consequence: synonymous variant.
Genome position (GRCh38, 1-based): chr4:127,705,779, T>A. VCF-style: chr4-127705779-T-A. GRCh37 (hg19) VCF-style: chr4-128626934-T-A.
Identifiers: ClinVar variation 3055831 (VCV003055831.2), dbSNP rs1730854844, ClinGen allele CA441205996.